The following is an entry in ClinVar:

NM_001845.6(COL4A1):c.2489del (p.Phe830fs)

Gene: COL4A1 (collagen type IV alpha 1 chain; minus strand). Cytogenetic location: 13q34.
Variant type: Deletion.
Coding change: c.2489del on transcript NM_001845.6 (MANE Select); coding-DNA position 2489, one base deleted (T; older notation c.2489delT).
Protein change: p.Phe830fs; shifts the reading frame from phenylalanine 830.
Molecular consequence: frameshift variant.
Genome position (GRCh38, 1-based): chr13:110,178,201, A deleted on the plus strand (T on the coding strand, the reverse complement: COL4A1 is on the minus strand); the first of 3 consecutive A bases (chr13:110,178,201-110,178,203); deleting any one gives the same sequence. VCF-style (leftmost placement, unchanged base first): chr13-110178200-GA-G. GRCh37 (hg19) VCF-style: chr13-110830547-GA-G.
Other names: short protein forms F830fs.
Identifiers: ClinVar variation 4886764 (VCV004886764.1).

ClinVar aggregate classification (germline): Pathogenic (1 of 4 stars; one submission).

Conditions:
Hematuria. Identifiers: MedGen C0018965, HP:0000790.

Submission:

Genetics Laboratory, Great Ormond Street Hospital NHS Foundation Trust, North Thames Genomic Laboratory Hub
Classification: Pathogenic for Haematuria. Last evaluated: 2026-06-22. Review status: criteria provided, single submitter. Criteria: ACGS Best Practice Guidelines for Variant Classification in Rare Disease 2024 v1.2. Collection method: clinical testing. Allele origin: germline. Affected: yes.
Comment: PM2_moderate, PVS1_very-strong